The following is an entry in ClinVar:

NM_001737.5(C9):c.56T>C (p.Leu19Pro)

Gene: C9 (complement C9; minus strand). Cytogenetic location: 5p13.1.
Variant type: single nucleotide variant.
Coding change: c.56T>C on transcript NM_001737.5 (MANE Select); coding-DNA position 56, T replaced by C.
Protein change: p.Leu19Pro; replaces leucine 19 with proline.
Molecular consequence: missense variant.
Genome position (GRCh38, 1-based): chr5:39,364,409, A>G on the plus strand (T>C on the coding strand, the complement: C9 is on the minus strand). VCF-style: chr5-39364409-A-G. GRCh37 (hg19) VCF-style: chr5-39364511-A-G.
Other names: short protein forms L19P.
Identifiers: ClinVar variation 2054541 (VCV002054541.4), dbSNP rs2111999990, ClinGen allele CA359569345.

ClinVar aggregate classification (germline): Uncertain significance (1 of 4 stars; one submission).

Submission:

Labcorp Genetics (formerly Invitae), Labcorp
Classification: Uncertain significance. Last evaluated: 2023-11-27. Review status: criteria provided, single submitter. Criteria: Invitae Variant Classification Sherloc (09022015). Collection method: clinical testing. Allele origin: germline.
Comment: This sequence change replaces leucine, which is neutral and non-polar, with proline, which is neutral and non-polar, at codon 19 of the C9 protein (p.Leu19Pro). This variant is not present in population databases (gnomAD no frequency). This variant has not been reported in the literature in individuals affected with C9-related conditions. ClinVar contains an entry for this variant (Variation ID: 2054541). An algorithm developed to predict the effect of missense changes on protein structure and function (PolyPhen-2) suggests that this variant is likely to be tolerated. In summary, the available evidence is currently insufficient to determine the role of this variant in disease. Therefore, it has been classified as a Variant of Uncertain Significance.